The following is an entry in ClinVar:

NM_001035.3(RYR2):c.1633C>G (p.Arg545Gly)

Gene: RYR2 (ryanodine receptor 2; plus strand). Cytogenetic location: 1q43.
Variant type: single nucleotide variant.
Coding change: c.1633C>G on transcript NM_001035.3 (MANE Select); coding-DNA position 1633, C replaced by G.
Protein change: p.Arg545Gly; replaces arginine 545 with glycine.
Molecular consequence: missense variant.
Genome position (GRCh38, 1-based): chr1:237,469,112, C>G. VCF-style: chr1-237469112-C-G. GRCh37 (hg19) VCF-style: chr1-237632412-C-G.
Other names: short protein forms R545G.
Identifiers: ClinVar variation 1358981 (VCV001358981.7), dbSNP rs1660399641, ClinGen allele CA345383651.

ClinVar aggregate classification (germline): Uncertain significance (1 of 4 stars; one submission).

Conditions:
Catecholaminergic polymorphic ventricular tachycardia 1. Also called: RYR2-Related Catecholaminergic Polymorphic Ventricular Tachycardia; VENTRICULAR TACHYCARDIA, CATECHOLAMINERGIC POLYMORPHIC, 1, WITH OR WITHOUT ATRIAL DYSFUNCTION AND/OR DILATED CARDIOMYOPATHY; VENTRICULAR TACHYCARDIA, STRESS-INDUCED POLYMORPHIC 1. Identifiers: Orphanet 3286, MedGen C1631597, MONDO:0011484, OMIM 604772.

Submission:

Labcorp Genetics (formerly Invitae), Labcorp
Classification: Uncertain significance for Catecholaminergic polymorphic ventricular tachycardia 1. Last evaluated: 2022-01-19. Review status: criteria provided, single submitter. Criteria: Invitae Variant Classification Sherloc (09022015). Collection method: clinical testing. Allele origin: germline.
Comment: In summary, the available evidence is currently insufficient to determine the role of this variant in disease. Therefore, it has been classified as a Variant of Uncertain Significance. Advanced modeling of protein sequence and biophysical properties (such as structural, functional, and spatial information, amino acid conservation, physicochemical variation, residue mobility, and thermodynamic stability) performed at Invitae indicates that this missense variant is expected to disrupt RYR2 protein function. This variant has not been reported in the literature in individuals affected with RYR2-related conditions. This variant is not present in population databases (gnomAD no frequency). This sequence change replaces arginine, which is basic and polar, with glycine, which is neutral and non-polar, at codon 545 of the RYR2 protein (p.Arg545Gly).